The following is an entry in ClinVar:

NM_001386795.1(DTNA):c.1108T>A (p.Ser370Thr)

Gene: DTNA (dystrobrevin alpha; plus strand). Cytogenetic location: 18q12.1.
Variant type: single nucleotide variant.
Coding change: c.1108T>A on transcript NM_001386795.1 (MANE Select); coding-DNA position 1108, T replaced by A.
Protein change: p.Ser370Thr; replaces serine 370 with threonine.
Molecular consequence: missense variant. On other transcripts: intron variant (27).
Genome position (GRCh38, 1-based): chr18:34,829,422, T>A. VCF-style: chr18-34829422-T-A. GRCh37 (hg19) VCF-style: chr18-32409386-T-A.
Other names: c.154T>A, p.Ser52Thr (NM_001198942.1, NM_001198944.1); c.1108T>A, p.Ser370Thr (NM_001386754.1, NM_001386755.1, NM_001386756.1 and 6 more transcripts); c.1094+1746T>A (NM_032975.4, NM_001386761.1, NM_001386762.1 and 3 more transcripts); c.1085+1746T>A (NM_001386763.1, NM_001386764.1, NM_001386768.1 and 14 more transcripts); c.603+17309T>A (NM_001198945.2); c.335+1746T>A (NM_001198943.1); c.131+1746T>A (NM_032980.4, NM_032981.5); short protein forms S370T, S52T.
Identifiers: ClinVar variation 3346759 (VCV003346759.1).
Genomic context (GRCh38, chr18:34,829,422, plus strand): 5'-GGAAGTTTTAATGAGGTCTCATTGTTTGACTCCCTCAGGTTACCTGAGGGAATAAGTGCA[T>A]CCAGCCCTGTGGCTGAAGAGCATTCCCTCATAAAGCTGTACGTAAATCAGCTTGATCACG-3'
Protein context (NP_001373724.1, residues 360-380): TRRLPEGISA[Ser370Thr]SPVAEEHSLI

ClinVar aggregate classification (germline): Uncertain significance (0 of 4 stars; one submission).

Conditions:
DTNA-related disorder. Also called: DTNA-related condition.

gnomAD v4.1: 1 of 1,535,012 alleles (0.000065%); highest among the groups gnomAD compares: Non-Finnish European, 0.000087%; no homozygotes.

Submission:

PreventionGenetics, part of Exact Sciences
Classification: Uncertain significance for DTNA-related condition. Last evaluated: 2024-05-23. Review status: no assertion criteria provided. Collection method: clinical testing. Allele origin: germline.
Comment: The DTNA c.154T>A variant is predicted to result in the amino acid substitution p.Ser52Thr. To our knowledge, this variant has not been reported in the literature or in a large population database, indicating this variant is rare. At this time, the clinical significance of this variant is uncertain due to the absence of conclusive functional and genetic evidence.